The following is an entry in ClinVar:

NM_001113491.2(SEPTIN9):c.1512C>G (p.His504Gln)

Gene: SEPTIN9 (septin 9; plus strand). Cytogenetic location: 17q25.3.
Variant type: single nucleotide variant.
Coding change: c.1512C>G on transcript NM_001113491.2 (MANE Select); coding-DNA position 1512, C replaced by G.
Protein change: p.His504Gln; replaces histidine 504 with glutamine.
Molecular consequence: missense variant.
Genome position (GRCh38, 1-based): chr17:77,493,015, C>G. VCF-style: chr17-77493015-C-G. GRCh37 (hg19) VCF-style: chr17-75489097-C-G.
Other names: c.1020C>G, p.His340Gln (NM_001113492.2, NM_001113494.1); c.1491C>G, p.His497Gln (NM_001113493.2); c.759C>G, p.His253Gln (NM_001113495.2, NM_001113496.2, NM_001293697.2 and 1 more transcripts); c.1455C>G, p.His485Gln (NM_001293695.2); c.840C>G, p.His280Gln (NM_001293696.2); c.1458C>G, p.His486Gln (NM_006640.5); short protein forms H253Q, H280Q, H340Q, H485Q, H486Q, H497Q, H504Q.
Identifiers: ClinVar variation 2445568 (VCV002445568.4), dbSNP rs138955612, ClinGen allele CA401209964.

ClinVar aggregate classification (germline): Uncertain significance (1 of 4 stars; one submission).

gnomAD v4.1: 7 of 1,570,164 alleles (0.00045%); highest among the groups gnomAD compares: Non-Finnish European, 0.0006%; no homozygotes.

Submission:

Labcorp Genetics (formerly Invitae), Labcorp
Classification: Uncertain significance. Last evaluated: 2021-12-21. Review status: criteria provided, single submitter. Criteria: Invitae Variant Classification Sherloc (09022015). Collection method: clinical testing. Allele origin: germline.
Comment: In summary, the available evidence is currently insufficient to determine the role of this variant in disease. Therefore, it has been classified as a Variant of Uncertain Significance. Algorithms developed to predict the effect of missense changes on protein structure and function (SIFT, PolyPhen-2, Align-GVGD) all suggest that this variant is likely to be tolerated. This variant has not been reported in the literature in individuals affected with SEPT9-related conditions. The frequency data for this variant in the population databases is considered unreliable, as metrics indicate poor data quality at this position in the gnomAD database. This sequence change replaces histidine, which is basic and polar, with glutamine, which is neutral and polar, at codon 486 of the SEPT9 protein (p.His486Gln).